The following is an entry in ClinVar:

NM_020366.4(RPGRIP1):c.1303A>T (p.Lys435Ter)

Gene: RPGRIP1 (RPGR interacting protein 1; plus strand). Cytogenetic location: 14q11.2.
Variant type: single nucleotide variant.
Coding change: c.1303A>T on transcript NM_020366.4 (MANE Select); coding-DNA position 1303, A replaced by T.
Protein change: p.Lys435Ter; replaces lysine 435 with a stop codon.
Molecular consequence: nonsense.
Genome position (GRCh38, 1-based): chr14:21,317,847, A>T. VCF-style: chr14-21317847-A-T. GRCh37 (hg19) VCF-style: chr14-21786006-A-T.
Other names: c.229A>T, p.Lys77Ter (NM_001377523.1, NM_001377948.1, NM_001377949.1 and 1 more transcripts); short protein forms K435*, K77*.
Identifiers: ClinVar variation 236506 (VCV000236506.5), dbSNP rs878853392, ClinGen allele CA10581688.

ClinVar aggregate classification (germline): Pathogenic. Review status: criteria provided, multiple submitters, no conflicts (2 of 4 stars). 3 submissions from 3 submitters: Pathogenic (2). 1 of the submissions does not count toward it. Last evaluated 2024-01-15.

Conditions:
RPGRIP1-related disorder. Also called: RPGRIP1-related condition.
Retinal dystrophy. Also called: Inherited retinal dystrophy. Identifiers: Orphanet 71862, MedGen C0854723, MeSH D058499, MONDO:0019118, HP:0000556.
Leber congenital amaurosis 6 (LCA6). Identifiers: Orphanet 65, MedGen C1854260, MONDO:0013446, OMIM 613826.

gnomAD v4.1: 3 of 1,603,316 alleles (0.00019%); highest among the groups gnomAD compares: Non-Finnish European, 0.00026%; no homozygotes.

Submissions (3):

Blueprint Genetics
Classification: Pathogenic for RPGRIP1-related disorders. Last evaluated: 2024-01-15. Review status: criteria provided, single submitter. Criteria: ACMG Guidelines, 2015. Collection method: clinical testing. Allele origin: germline. Affected: yes. Observed: 4 variant alleles.

Centre for Mendelian Genomics, University Medical Centre Ljubljana
Classification: Pathogenic for Leber congenital amaurosis 6. Last evaluated: 2019-03-14. Review status: criteria provided, single submitter. Criteria: ACMG Guidelines, 2015. Collection method: clinical testing. Allele origin: unknown. Affected: yes.
Comment: This variant was classified as: Pathogenic. The following ACMG criteria were applied in classifying this variant: PVS1,PM2,PP5.

Centre for Genomic Medicine, Manchester, Central Manchester University Hospitals
Classification: Likely pathogenic for Retinal dystrophy. Review status: no assertion criteria provided. Collection method: clinical testing. Allele origin: germline. Affected: yes. Not counted in ClinVar's aggregate classification.